The following is an entry in ClinVar:

NM_004393.6(DAG1):c.1287A>G (p.Val429=)

Gene: DAG1 (dystroglycan 1; plus strand). Cytogenetic location: 3p21.31.
Variant type: single nucleotide variant.
Coding change: c.1287A>G on transcript NM_004393.6 (MANE Select); coding-DNA position 1287, A replaced by G.
Protein change: p.Val429=; no amino-acid change (valine 429 retained).
Molecular consequence: synonymous variant.
Genome position (GRCh38, 1-based): chr3:49,531,798, A>G. VCF-style: chr3-49531798-A-G. GRCh37 (hg19) VCF-style: chr3-49569231-A-G.
Other names: c.1287A>G, p.Val429= (NM_001165928.4, NM_001177634.3, NM_001177635.3 and 9 more transcripts).
Identifiers: ClinVar variation 705969 (VCV000705969.17), dbSNP rs200282503, ClinGen allele CA2399048.

ClinVar aggregate classification (germline): Likely benign. Review status: criteria provided, multiple submitters, no conflicts (2 of 4 stars). 2 submissions from 2 submitters: Likely benign (2). Last evaluated 2026-01-21.

Conditions:
Muscular dystrophy-dystroglycanopathy (congenital with brain and eye anomalies), type A9. Also called: Muscular dystrophy-dystroglycanopathy (congenital with brain and eye anomalies), type a, 9; WALKER-WARBURG SYNDROME OR MUSCLE-EYE BRAIN DISEASE, DAG1-RELATED. Identifiers: Orphanet 370997, Orphanet 899, MedGen C4225291, MONDO:0014683, OMIM 616538.
Autosomal recessive limb-girdle muscular dystrophy type 2P. Also called: MUSCULAR DYSTROPHY-DYSTROGLYCANOPATHY, LIMB-GIRDLE, DAG1-RELATED; Limb-Girdle Muscular Dystrophy Type 9C; MUSCULAR DYSTROPHY, LIMB-GIRDLE, TYPE 2P. Identifiers: Orphanet 280333, MedGen C4511963, MONDO:0013440, OMIM 613818.

Allele frequency attached by ClinVar (database versions not stated): gnomAD exomes 0.00005 and 0.00012; gnomAD 0.00008 and 0.00009; ExAC 0.00010; TOPMed 0.00010; ESP Exome Variant Server 0.00015.
gnomAD v4.1: 93 of 1,613,748 alleles (0.0058%); highest among the groups gnomAD compares: Middle Eastern, 0.049%; no homozygotes.

Submissions (2):

Labcorp Genetics (formerly Invitae), Labcorp
Classification: Likely benign for Autosomal recessive limb-girdle muscular dystrophy type 2P; Muscular dystrophy-dystroglycanopathy (congenital with brain and eye anomalies), type A9. Last evaluated: 2026-01-21. Review status: criteria provided, single submitter. Criteria: Invitae Variant Classification Sherloc (09022015). Collection method: clinical testing. Allele origin: germline.

CeGaT Center for Human Genetics Tuebingen
Classification: Likely benign. Last evaluated: 2025-04-01. Review status: criteria provided, single submitter. Criteria: CeGaT Center For Human Genetics Tuebingen Variant Classification Criteria Version 2. Collection method: clinical testing. Allele origin: germline. Affected: yes. Observed: 1 variant allele.
Comment: DAG1: BP4, BP7